The following is an entry in ClinVar:

ClinVar aggregate classification (germline): Likely benign (1 of 4 stars; one submission).

Allele frequency attached by ClinVar (database versions not stated): ExAC 0.00009; 1000 Genomes Project 0.00020.

Submission:

CeGaT Center for Human Genetics Tuebingen
Classification: Likely benign. Last evaluated: 2023-02-01. Review status: criteria provided, single submitter. Criteria: CeGaT Center For Human Genetics Tuebingen Variant Classification Criteria Version 2. Collection method: clinical testing. Allele origin: germline. Affected: yes. Observed: 1 variant allele.
Comment: MUC2: BP4, BP7

NM_002457.5(MUC2):c.12240G>A (p.Thr4080=)

Gene: MUC2 (mucin 2, oligomeric mucus/gel-forming; plus strand). Cytogenetic location: 11p15.5.
Variant type: single nucleotide variant.
Coding change: c.12240G>A on transcript NM_002457.5 (MANE Select); coding-DNA position 12240, G replaced by A.
Protein change: p.Thr4080=; no amino-acid change (threonine 4080 retained).
Molecular consequence: synonymous variant.
Genome position (GRCh38, 1-based): chr11:1,099,574, G>A. VCF-style: chr11-1099574-G-A. GRCh37 (hg19) VCF-style: chr11-1093482-G-A.
Identifiers: ClinVar variation 2641143 (VCV002641143.24), dbSNP rs562155123, ClinGen allele CA5800182.